The following is an entry in ClinVar:

ClinVar aggregate classification (germline): Uncertain significance (1 of 4 stars; one submission).

gnomAD v4.1: 3 of 1,613,756 alleles (0.00019%); highest among the groups gnomAD compares: Non-Finnish European, 0.00025%; no homozygotes.

Submission:

Ambry Genetics
Classification: Uncertain significance. Last evaluated: 2025-04-05. Review status: criteria provided, single submitter. Criteria: Ambry Variant Classification Scheme 2023. Collection method: clinical testing. Allele origin: germline.
Comment: The p.S159R variant (also known as c.477C>G), located in coding exon 4 of the SRP72 gene, results from a C to G substitution at nucleotide position 477. The serine at codon 159 is replaced by arginine, an amino acid with dissimilar properties. This amino acid position is conserved. In addition, the in silico prediction for this alteration is inconclusive. Based on the available evidence, the clinical significance of this variant remains unclear.

NM_006947.4(SRP72):c.477C>G (p.Ser159Arg)

Gene: SRP72 (signal recognition particle 72; plus strand). Cytogenetic location: 4q12.
Variant type: single nucleotide variant.
Coding change: c.477C>G on transcript NM_006947.4 (MANE Select); coding-DNA position 477, C replaced by G.
Protein change: p.Ser159Arg; replaces serine 159 with arginine.
Molecular consequence: missense variant. On other transcripts: non-coding transcript variant (1).
Genome position (GRCh38, 1-based): chr4:56,474,176, C>G. VCF-style: chr4-56474176-C-G. GRCh37 (hg19) VCF-style: chr4-57340342-C-G.
Other names: c.477C>G, p.Ser159Arg (NM_001267722.2); short protein forms S159R.
Identifiers: ClinVar variation 3962057 (VCV003962057.1).